The following is an entry in ClinVar:

ClinVar aggregate classification (germline): Benign. Review status: criteria provided, multiple submitters, no conflicts (2 of 4 stars). 3 submissions from 3 submitters: Benign (3). Last evaluated 2026-02-03.

Conditions:
Congenital microvillous atrophy (DIAR2). Also called: DAVIDSON DISEASE; MICROVILLUS ATROPHY, CONGENITAL; Microvillus inclusion disease; Diarrhea 2 with microvillus atrophy, with or without cholestasis; CONGENITAL FAMILIAL PROTRACTED DIARRHEA WITH ENTEROCYTE BRUSH-BORDER ABNORMALITIES. Identifiers: Orphanet 2290, MedGen C0341306, MONDO:0009635, OMIM 251850.

Allele frequency attached by ClinVar (database versions not stated): 1000 Genomes Project 30x 0.00703; 1000 Genomes Project 0.00739; TOPMed 0.00832; ESP Exome Variant Server 0.00965; gnomAD 0.01150 and 0.01161; ExAC 0.01350; gnomAD exomes 0.01360 and 0.01453.
gnomAD v4.1: 22,948 of 1,613,890 alleles (1.4%); highest among the groups gnomAD compares: South Asian, 2.2%; 208 homozygotes.

Submissions (3):

Labcorp Genetics (formerly Invitae), Labcorp
Classification: Benign. Last evaluated: 2026-02-03. Review status: criteria provided, single submitter. Criteria: Invitae Variant Classification Sherloc (09022015). Collection method: clinical testing. Allele origin: germline.

Illumina Laboratory Services, Illumina
Classification: Benign for Congenital microvillous atrophy. Last evaluated: 2018-01-13. Review status: criteria provided, single submitter. Criteria: ICSL Variant Classification Criteria 13 December 2019. Collection method: clinical testing. Allele origin: germline.
Comment: This variant was observed in the ICSL laboratory as part of a predisposition screen in an ostensibly healthy population. It had not been previously curated by ICSL or reported in the Human Gene Mutation Database (HGMD: prior to June 1st, 2018), and was therefore a candidate for classification through an automated scoring system. Utilizing variant allele frequency, disease prevalence and penetrance estimates, and inheritance mode, an automated score was calculated to assess if this variant is too frequent to cause the disease. Based on the score and internal cut-off values, a variant classified as benign is not then subjected to further curation. The score for this variant resulted in a classification of benign for this disease.

Breakthrough Genomics
Classification: Benign. Review status: criteria provided, single submitter. Criteria: ACMG Guidelines, 2015. Collection method: not provided. Allele origin: germline. Inheritance: Autosomal recessive inheritance. Affected: yes.

NM_001080467.3(MYO5B):c.145G>C (p.Glu49Gln)

Gene: MYO5B (myosin VB; minus strand). Cytogenetic location: 18q21.1.
Variant type: single nucleotide variant.
Coding change: c.145G>C on transcript NM_001080467.3 (MANE Select); coding-DNA position 145, G replaced by C.
Protein change: p.Glu49Gln; replaces glutamic acid 49 with glutamine.
Molecular consequence: missense variant.
Genome position (GRCh38, 1-based): chr18:50,040,308, C>G on the plus strand (G>C on the coding strand, the complement: MYO5B is on the minus strand). VCF-style: chr18-50040308-C-G. GRCh37 (hg19) VCF-style: chr18-47566678-C-G.
Other names: short protein forms E49Q.
Identifiers: ClinVar variation 327091 (VCV000327091.14), dbSNP rs141998504, ClinGen allele CA8961965.